The following is an entry in ClinVar:

ClinVar aggregate classification (germline): Likely benign. Review status: criteria provided, multiple submitters, no conflicts (2 of 4 stars). 3 submissions from 3 submitters: Likely benign (2). 1 of the submissions does not count toward it. Last evaluated 2025-12-13.

Conditions:
CDCA7-related disorder. Also called: CDCA7-related condition.

Allele frequency attached by ClinVar (database versions not stated): gnomAD exomes 0.00006 and 0.00008; TOPMed 0.00008; gnomAD 0.00009; ExAC 0.00006.
gnomAD v4.1: 104 of 1,614,066 alleles (0.0064%); highest among the groups gnomAD compares: Admixed American, 0.015%; no homozygotes.

Submissions (3):

Labcorp Genetics (formerly Invitae), Labcorp
Classification: Likely benign. Last evaluated: 2025-12-13. Review status: criteria provided, single submitter. Criteria: Invitae Variant Classification Sherloc (09022015). Collection method: clinical testing. Allele origin: germline.

Breakthrough Genomics
Classification: Likely benign. Review status: criteria provided, single submitter. Criteria: ACMG Guidelines, 2015. Collection method: not provided. Allele origin: germline. Inheritance: Autosomal recessive inheritance. Affected: yes.

PreventionGenetics, part of Exact Sciences
Classification: Likely benign for CDCA7-related condition. Last evaluated: 2019-07-02. Review status: no assertion criteria provided. Collection method: clinical testing. Allele origin: germline. Not counted in ClinVar's aggregate classification.
Comment: This variant is classified as likely benign based on ACMG/AMP sequence variant interpretation guidelines (Richards et al. 2015 PMID: 25741868, with internal and published modifications).

NM_031942.5(CDCA7):c.1350A>G (p.Ala450=)

Gene: CDCA7 (cell division cycle associated 7; plus strand). Cytogenetic location: 2q31.1.
Variant type: single nucleotide variant.
Coding change: c.1350A>G on transcript NM_031942.5 (MANE Select); coding-DNA position 1350, A replaced by G.
Protein change: p.Ala450=; no amino-acid change (alanine 450 retained).
Molecular consequence: synonymous variant.
Genome position (GRCh38, 1-based): chr2:173,367,661, A>G. VCF-style: chr2-173367661-A-G. GRCh37 (hg19) VCF-style: chr2-174232389-A-G.
Other names: c.1350A>G (NM_031942.4); c.1113A>G, p.Ala371= (NM_145810.3).
Identifiers: ClinVar variation 1580544 (VCV001580544.11), dbSNP rs763557777, ClinGen allele CA1971495.
Genomic context (GRCh38, chr2:173,367,661, plus strand): 5'-ATGTCCTGACACATTTCCTTTTGTTTTTCACAGCCTGAAACAGGAATTTGAAATGCAAGC[A>G]TAATATCTGGAAAATTTGCTGCCTGCCTTCTACTTCTCAAATCTTTCTTGTAAAAGTTTC-3'
Protein context (NP_114148.3, residues 440-450): KSLKQEFEMQ[Ala450=]